The following is an entry in ClinVar:

NM_001613.4(ACTA2):c.954G>A (p.Glu318=)

Genes: ACTA2-AS1 (ACTA2 antisense RNA 1; plus strand), ACTA2 (actin alpha 2, smooth muscle; minus strand). Cytogenetic location: 10q23.31.
Variant type: single nucleotide variant.
Coding change: c.954G>A on transcript NM_001613.4 (MANE Select); coding-DNA position 954, G replaced by A.
Protein change: p.Glu318=; no amino-acid change (glutamic acid 318 retained).
Molecular consequence: synonymous variant.
Genome position (GRCh38, 1-based): chr10:88,938,097, C>T on the plus strand (G>A on the coding strand, the complement: ACTA2 is on the minus strand). VCF-style: chr10-88938097-C-T. GRCh37 (hg19) VCF-style: chr10-90697854-C-T.
Other names: c.954G>A, p.Glu318= (NM_001141945.3, NM_001320855.2, NM_001406462.1 and 2 more transcripts); c.843G>A, p.Glu281= (NM_001406466.1); c.825G>A, p.Glu275= (NM_001406467.1, NM_001406468.1, NM_001406469.1); c.762G>A, p.Glu254= (NM_001406471.1).
Identifiers: ClinVar variation 3073221 (VCV003073221.1), dbSNP rs779117107, ClinGen allele CA030037.

ClinVar aggregate classification (germline): Likely benign (1 of 4 stars; one submission).

Conditions:
Familial thoracic aortic aneurysm and aortic dissection (TAAD). Also called: Thoracic aortic aneurysms and dissections. Identifiers: Orphanet 91387, MedGen C4707243, MONDO:0019625.

Allele frequency attached by ClinVar (database versions not stated): gnomAD exomes below 0.00001; ExAC 0.00001; TOPMed 0.00001.
gnomAD v4.1: 6 of 1,614,000 alleles (0.00037%); highest among the groups gnomAD compares: Admixed American, 0.0017%; no homozygotes.

Submission:

All of Us Research Program, National Institutes of Health
Classification: Likely benign for Familial thoracic aortic aneurysm and aortic dissection. Last evaluated: 2023-08-28. Review status: criteria provided, single submitter. Criteria: ACMG Guidelines, 2015. Collection method: clinical testing. Allele origin: germline. Inheritance: Autosomal dominant inheritance. Observed: 1 variant allele, 1 heterozygote.
Comment: This study involves interpretation of variants in research participants for the purpose of population health screening. Participant phenotype was not available at the time of variant classification. Additional details can be found in publication PMID: 35346344, PMCID: PMC8962531